The following is an entry in ClinVar:

NM_002524.5(NRAS):c.88G>A (p.Asp30Asn)

Gene: NRAS (NRAS proto-oncogene, GTPase; minus strand). Cytogenetic location: 1p13.2.
Variant type: single nucleotide variant.
Coding change: c.88G>A on transcript NM_002524.5 (MANE Select); coding-DNA position 88, G replaced by A.
Protein change: p.Asp30Asn; replaces aspartic acid 30 with asparagine.
Molecular consequence: missense variant.
Genome position (GRCh38, 1-based): chr1:114,716,073, C>T on the plus strand (G>A on the coding strand, the complement: NRAS is on the minus strand). VCF-style: chr1-114716073-C-T. GRCh37 (hg19) VCF-style: chr1-115258694-C-T.
Other names: short protein forms D30N.
Identifiers: ClinVar variation 3629697 (VCV003629697.1).
Genomic context (GRCh38, chr1:114,716,073, plus strand): 5'-GACAGGATCAGGTCAGCGGGCTACCACTGGGCCTCACCTCTATGGTGGGATCATATTCAT[C>T]TACAAAGTGGTTCTGGATTAGCTGGATTGTCAGTGCGCTTTTCCCAACACCACCTGCTCC-3'
Protein context (NP_002515.1, residues 20-40): TIQLIQNHFV[Asp30Asn]EYDPTIEDSY

ClinVar aggregate classification (germline): Uncertain significance (1 of 4 stars; one submission).

Submission:

Women's Health and Genetics/Laboratory Corporation of America, LabCorp
Classification: Uncertain significance. Last evaluated: 2024-11-12. Review status: criteria provided, single submitter. Criteria: LabCorp Variant Classification Summary - May 2015. Collection method: clinical testing. Allele origin: germline.
Comment: Variant summary: NRAS c.88G>A (p.Asp30Asn) results in a conservative amino acid change located in the P-loop containing nucleoside triphosphate hydrolases domain (IPR027417) of the encoded protein sequence. Four of five in-silico tools predict a benign effect of the variant on protein function. The variant was absent in 251492 control chromosomes. The available data on variant occurrences in the general population are insufficient to allow any conclusion about variant significance. To our knowledge, no occurrence of c.88G>A in individuals affected with Noonan Syndrome and no experimental evidence demonstrating its impact on protein function have been reported. No submitters have cited clinical-significance assessments for this variant to ClinVar. Based on the evidence outlined above, the variant was classified as uncertain significance.